The following is an entry in ClinVar:

ClinVar aggregate classification (germline): Pathogenic. Review status: criteria provided, multiple submitters, no conflicts (2 of 4 stars). 2 submissions from 2 submitters: Pathogenic (2). Last evaluated 2025-06-17.

Conditions:
Hereditary breast ovarian cancer syndrome. Also called: Hereditary breast and ovarian cancer syndrome (HBOC); Hereditary breast and/or ovarian cancer syndrome; Hereditary breast and ovarian cancer; BRCA1- and BRCA2-Associated Hereditary Breast and Ovarian Cancer; Hereditary breast and ovarian cancer syndrome; Breast and ovarian cancer. Identifiers: Orphanet 145, MedGen C0677776, MeSH D061325, MONDO:0003582. Disease mechanism: loss of function.

Submissions (2):

GeneKor MSA
Classification: Pathogenic for Hereditary breast ovarian cancer syndrome. Last evaluated: 2025-06-17. Review status: criteria provided, single submitter. Criteria: ACMG Guidelines, 2015. Collection method: clinical testing. Allele origin: germline.
Comment: This variant, located in coding exon 11 of the BRCA2 gene, is a single base substitution at nucleotide position 6284, c.(6284C>A), replacing Cytosine with a premature termination stop signal at codon 2095, p.(Ser2095*). This is expected to result in an absent or disrupted protein product. Truncating variants in BRCA2 are known to be pathogenic (PMID:20104584). This variant is not present in population databases. ClinVar contains entries for this variant where is listed as pathogenic (VCV001071475.6). Based on the classification criteria set by the ACMG and AMP (PMID:25741868) this variant has been classified as pathogenic.

Labcorp Genetics (formerly Invitae), Labcorp
Classification: Pathogenic for Hereditary breast ovarian cancer syndrome. Last evaluated: 2020-08-27. Review status: criteria provided, single submitter. Criteria: Invitae Variant Classification Sherloc (09022015). Collection method: clinical testing. Allele origin: germline.
Comment: Loss-of-function variants in BRCA2 are known to be pathogenic (PMID: 20104584). This variant has not been reported in the literature in individuals with BRCA2-related conditions. This variant is not present in population databases (ExAC no frequency). This sequence change creates a premature translational stop signal (p.Ser2095*) in the BRCA2 gene. It is expected to result in an absent or disrupted protein product. For these reasons, this variant has been classified as Pathogenic.

Literature cited by the submitters: PubMed 20104584 (cited by GeneKor MSA and Labcorp Genetics (formerly Invitae), Labcorp).

NM_000059.4(BRCA2):c.6284C>A (p.Ser2095Ter)

Gene: BRCA2 (BRCA2 DNA repair associated; plus strand). Cytogenetic location: 13q13.1.
Variant type: single nucleotide variant.
Coding change: c.6284C>A on transcript NM_000059.4 (MANE Select); coding-DNA position 6284, C replaced by A.
Protein change: p.Ser2095Ter; replaces serine 2095 with a stop codon.
Molecular consequence: nonsense.
Genome position (GRCh38, 1-based): chr13:32,340,639, C>A. VCF-style: chr13-32340639-C-A. GRCh37 (hg19) VCF-style: chr13-32914776-C-A.
Other names: short protein forms S2095*.
Identifiers: ClinVar variation 1071475 (VCV001071475.8), dbSNP rs1593908124, ClinGen allele CA387788999.
Genomic context (GRCh38, chr13:32,340,639, plus strand): 5'-AAGTTAAGGGAGTGTTAGAGGAATTTGATTTAATCAGAACTGAGCATAGTCTTCACTATT[C>A]ACCTACGTCTAGACAAAATGTATCAAAAATACTTCCTCGTGTTGATAAGAGAAACCCAGA-3'